The following is an entry in ClinVar:

NM_006904.7(PRKDC):c.3015T>G (p.Asp1005Glu)

Gene: PRKDC (protein kinase, DNA-activated, catalytic subunit; minus strand). Cytogenetic location: 8q11.21.
Variant type: single nucleotide variant.
Coding change: c.3015T>G on transcript NM_006904.7 (MANE Select); coding-DNA position 3015, T replaced by G.
Protein change: p.Asp1005Glu; replaces aspartic acid 1005 with glutamic acid.
Molecular consequence: missense variant.
Genome position (GRCh38, 1-based): chr8:47,904,896, A>C on the plus strand (T>G on the coding strand, the complement: PRKDC is on the minus strand). VCF-style: chr8-47904896-A-C. GRCh37 (hg19) VCF-style: chr8-48817456-A-C.
Other names: c.3015T>G, p.Asp1005Glu (NM_001081640.2); short protein forms D1005E.
Identifiers: ClinVar variation 2624590 (VCV002624590.2), dbSNP rs2551875882, ClinGen allele CA371157285.
Genomic context (GRCh38, chr8:47,904,896, plus strand): 5'-GGAGTAAGAGGAAAAGAATCAACTATTACTTACCAATATAGCTTCTAGTAAGGCAACAGT[A>C]TCCTGACTTTCAAATTTCTTGTTGTTAGTGAACCAGTGAATCAGCTGCATAACTAGTGGC-3'
Protein context (NP_008835.5, residues 995-1015): FTNNKKFESQ[Asp1005Glu]TVALLEAILD

ClinVar aggregate classification (germline): Uncertain significance (1 of 4 stars; one submission).

Submission:

Ambry Genetics
Classification: Uncertain significance. Last evaluated: 2023-09-04. Review status: criteria provided, single submitter. Criteria: Ambry Variant Classification Scheme 2023. Collection method: clinical testing. Allele origin: germline.
Comment: The p.D1005E variant (also known as c.3015T>G), located in coding exon 26 of the PRKDC gene, results from a T to G substitution at nucleotide position 3015. The aspartic acid at codon 1005 is replaced by glutamic acid, an amino acid with highly similar properties. This amino acid position is conserved. In addition, this alteration is predicted to be tolerated by in silico analysis. Since supporting evidence is limited at this time, the clinical significance of this alteration remains unclear.